The following is an entry in ClinVar:

NM_005045.4(RELN):c.1075G>A (p.Val359Ile)

Gene: RELN (reelin; minus strand). Cytogenetic location: 7q22.1.
Variant type: single nucleotide variant.
Coding change: c.1075G>A on transcript NM_005045.4 (MANE Select); coding-DNA position 1075, G replaced by A.
Protein change: p.Val359Ile; replaces valine 359 with isoleucine.
Molecular consequence: missense variant.
Genome position (GRCh38, 1-based): chr7:103,697,921, C>T on the plus strand (G>A on the coding strand, the complement: RELN is on the minus strand). VCF-style: chr7-103697921-C-T. GRCh37 (hg19) VCF-style: chr7-103338368-C-T.
Other names: c.1075G>A, p.Val359Ile (NM_173054.3); short protein forms V359I.
Identifiers: ClinVar variation 212028 (VCV000212028.25), dbSNP rs114926265, ClinGen allele CA207760.

ClinVar aggregate classification (germline): Benign. Review status: criteria provided, multiple submitters, no conflicts (2 of 4 stars). 7 submissions from 7 submitters: Benign (6). 1 of the submissions does not count toward it. Last evaluated 2026-02-03.

Conditions:
RELN-related disorder. Also called: RELN-related condition.
Norman-Roberts syndrome (LIS2). Also called: Lissencephaly 2 (Norman-Roberts type). Identifiers: Orphanet 89844, MedGen C0796089, MONDO:0009760, OMIM 257320.
Familial temporal lobe epilepsy 7. Identifiers: Orphanet 101046, MedGen C4225327, MONDO:0014639, OMIM 616436.

Allele frequency attached by ClinVar (database versions not stated): 1000 Genomes Project 0.00419; 1000 Genomes Project 30x 0.00437; gnomAD 0.00496 and 0.00535; TOPMed 0.00546; ESP Exome Variant Server 0.00607.
gnomAD v4.1: 1,412 of 1,613,742 alleles (0.087%); highest among the groups gnomAD compares: African/African-American, 1.7%; 19 homozygotes.

Submissions (7):

Labcorp Genetics (formerly Invitae), Labcorp
Classification: Benign for Familial temporal lobe epilepsy 7; Norman-Roberts syndrome. Last evaluated: 2026-02-03. Review status: criteria provided, single submitter. Criteria: Invitae Variant Classification Sherloc (09022015). Collection method: clinical testing. Allele origin: germline.

ARUP Laboratories, Molecular Genetics and Genomics, ARUP Laboratories
Classification: Benign. Last evaluated: 2024-06-06. Review status: criteria provided, single submitter. Criteria: ARUP Molecular Germline Variant Investigation Process 2024. Collection method: clinical testing. Allele origin: germline.

Athena Diagnostics
Classification: Benign. Last evaluated: 2018-02-21. Review status: criteria provided, single submitter. Criteria: Athena Diagnostics Criteria. Collection method: clinical testing. Allele origin: germline.

Illumina Laboratory Services, Illumina
Classification: Benign for Norman-Roberts syndrome. Last evaluated: 2017-04-28. Review status: criteria provided, single submitter. Criteria: ICSL Variant Classification Criteria 13 December 2019. Collection method: clinical testing. Allele origin: germline.
Comment: This variant was observed as part of a predisposition screen in an ostensibly healthy population. A literature search was performed for the gene, cDNA change, and amino acid change (where applicable). Publications were found based on this search. The evidence from the literature, in combination with allele frequency data from public databases where available, was sufficient to rule this variant out of causing disease. Therefore, this variant is classified as benign.

GeneDx
Classification: Benign. Last evaluated: 2016-10-06. Review status: criteria provided, single submitter. Criteria: GeneDx Variant Classification (06012015). Collection method: clinical testing. Allele origin: germline. Affected: yes.
Comment: This variant is considered likely benign or benign based on one or more of the following criteria: it is a conservative change, it occurs at a poorly conserved position in the protein, it is predicted to be benign by multiple in silico algorithms, and/or has population frequency not consistent with disease.

Genetic Services Laboratory, University of Chicago
Classification: Benign. Last evaluated: 2016-08-31. Review status: criteria provided, single submitter. Criteria: ACMG Guidelines, 2015. Collection method: clinical testing. Allele origin: germline. Affected: no.

PreventionGenetics, part of Exact Sciences
Classification: Benign for RELN-related condition. Last evaluated: 2019-12-26. Review status: no assertion criteria provided. Collection method: clinical testing. Allele origin: germline. Not counted in ClinVar's aggregate classification.
Comment: This variant is classified as benign based on ACMG/AMP sequence variant interpretation guidelines (Richards et al. 2015 PMID: 25741868, with internal and published modifications).

Literature cited by the submitters: PubMed 24385848 (cited by Athena Diagnostics and Illumina Laboratory Services, Illumina).